The following is an entry in ClinVar:

NM_001354483.2(CSGALNACT1):c.1558C>A (p.Leu520Ile)

Gene: CSGALNACT1 (chondroitin sulfate N-acetylgalactosaminyltransferase 1; minus strand). Cytogenetic location: 8p21.3.
Variant type: single nucleotide variant.
Coding change: c.1558C>A on transcript NM_001354483.2 (MANE Select); coding-DNA position 1558, C replaced by A.
Protein change: p.Leu520Ile; replaces leucine 520 with isoleucine.
Molecular consequence: missense variant. On other transcripts: non-coding transcript variant (7).
Genome position (GRCh38, 1-based): chr8:19,405,821, G>T on the plus strand (C>A on the coding strand, the complement: CSGALNACT1 is on the minus strand). VCF-style: chr8-19405821-G-T. GRCh37 (hg19) VCF-style: chr8-19263332-G-T.
Other names: c.1558C>A, p.Leu520Ile (NM_001130518.2, NM_001354475.2, NM_001354476.2 and 18 more transcripts); c.1558C>A (NM_001130518.1); short protein forms L520I.
Identifiers: ClinVar variation 1895547 (VCV001895547.6), dbSNP rs372014844, ClinGen allele CA4653729.
Genomic context (GRCh38, chr8:19,405,821, plus strand): 5'-ACAATCCTTCTCTGGGAGTTCATGTTTTTTTGCTACTTGTCTTCTGTTTCTGTTTGCGAA[G>T]GTGAGCCTCTATCTCGTGCCTGAACACCAGCATGCCCAGCTGGCCGTGGGATGCCTCGTT-3'
Protein context (NP_001341412.1, residues 510-530): LVFRHEIEAH[Leu520Ile]RKQKQKTSSK

ClinVar aggregate classification (germline): Uncertain significance. Review status: criteria provided, multiple submitters, no conflicts (2 of 4 stars). 2 submissions from 2 submitters: Uncertain significance (2). Last evaluated 2025-01-16.

Conditions:
Inborn genetic diseases. Identifiers: MedGen C0950123, MeSH D030342.

Allele frequency attached by ClinVar (database versions not stated): gnomAD exomes below 0.00001; gnomAD 0.00001; TOPMed 0.00002; ExAC 0.00003; ESP Exome Variant Server 0.00008.
gnomAD v4.1: 6 of 1,614,018 alleles (0.00037%); highest among the groups gnomAD compares: African/African-American, 0.008%; no homozygotes.

Submissions (2):

Ambry Genetics
Classification: Uncertain significance for Inborn genetic diseases. Last evaluated: 2025-01-16. Review status: criteria provided, single submitter. Criteria: Ambry Variant Classification Scheme 2023. Collection method: clinical testing. Allele origin: germline.

Labcorp Genetics (formerly Invitae), Labcorp
Classification: Uncertain significance. Last evaluated: 2022-05-12. Review status: criteria provided, single submitter. Criteria: Invitae Variant Classification Sherloc (09022015). Collection method: clinical testing. Allele origin: germline.
Comment: This sequence change replaces leucine, which is neutral and non-polar, with isoleucine, which is neutral and non-polar, at codon 520 of the CSGALNACT1 protein (p.Leu520Ile). In summary, the available evidence is currently insufficient to determine the role of this variant in disease. Therefore, it has been classified as a Variant of Uncertain Significance. Algorithms developed to predict the effect of missense changes on protein structure and function are either unavailable or do not agree on the potential impact of this missense change (SIFT: "Tolerated"; PolyPhen-2: "Possibly Damaging"; Align-GVGD: "Class C0"). This variant has not been reported in the literature in individuals affected with CSGALNACT1-related conditions. This variant is present in population databases (rs372014844, gnomAD 0.02%).